The following is an entry in ClinVar:

NM_000138.5(FBN1):c.5810G>C (p.Gly1937Ala)

Gene: FBN1 (fibrillin 1; minus strand). Cytogenetic location: 15q21.1.
Variant type: single nucleotide variant.
Coding change: c.5810G>C on transcript NM_000138.5 (MANE Select); coding-DNA position 5810, G replaced by C.
Protein change: p.Gly1937Ala; replaces glycine 1937 with alanine.
Molecular consequence: missense variant.
Genome position (GRCh38, 1-based): chr15:48,445,483, C>G on the plus strand (G>C on the coding strand, the complement: FBN1 is on the minus strand). VCF-style: chr15-48445483-C-G. GRCh37 (hg19) VCF-style: chr15-48737680-C-G.
Other names: short protein forms G1937A.
Identifiers: ClinVar variation 1332636 (VCV001332636.3), dbSNP rs1566898444, ClinGen allele CA392340189.

ClinVar aggregate classification (germline): Uncertain significance (1 of 4 stars; one submission).

Conditions:
Familial thoracic aortic aneurysm and aortic dissection (TAAD). Also called: Thoracic aortic aneurysms and dissections. Identifiers: Orphanet 91387, MedGen C4707243, MONDO:0019625.

Submission:

Color Diagnostics, LLC DBA Color Health
Classification: Uncertain significance for Familial thoracic aortic aneurysm and aortic dissection. Last evaluated: 2024-03-07. Review status: criteria provided, single submitter. Criteria: ACMG Guidelines, 2015. Collection method: clinical testing. Allele origin: germline.
Comment: This missense variant replaces glycine with alanine at codon 1937 of the FBN1 protein. Computational prediction suggests that this variant may not impact protein structure and function (internally defined REVEL score threshold <= 0.5, PMID: 27666373). To our knowledge, functional studies have not been reported for this variant. This variant has not been reported in individuals affected with cardiovascular disorders in the literature. This variant has not been identified in the general population by the Genome Aggregation Database (gnomAD). The available evidence is insufficient to determine the role of this variant in disease conclusively. Therefore, this variant is classified as a Variant of Uncertain Significance.